The following is an entry in ClinVar:

ClinVar aggregate classification (germline): Likely pathogenic (1 of 4 stars; one submission).

Conditions:
Peroxisome biogenesis disorder 4A (Zellweger) (PBD4A). Also called: Zellweger syndrome spectrum (PEX6-related). Identifiers: Orphanet 912, MedGen C3553936, MONDO:0013930, OMIM 614862. Disease mechanism: loss of function.

Submission:

Myriad Genetics, Inc.
Classification: Likely pathogenic for Peroxisome biogenesis disorder 4A (Zellweger). Last evaluated: 2022-03-20. Review status: criteria provided, single submitter. Criteria: Myriad Women's Health Autosomal Recessive and X-Linked Classification Criteria (2021). Collection method: clinical testing. Allele origin: unknown.
Comment: NM_000287.3(PEX6):c.2165_2166delAG(Q722Pfs*7) is expected to be pathogenic in the context of peroxisome biogenesis disorder type 4. This variant is predicted to lead to an abnormal or absent protein product due to the creation of a premature termination codon in PEX6, a gene where loss-of-function variants are known to be pathogenic. Please note: this variant was assessed in the context of healthy population screening.

NM_000287.4(PEX6):c.2165_2166del (p.Gln722fs)

Gene: PEX6 (peroxisomal biogenesis factor 6; minus strand). Cytogenetic location: 6p21.1.
Variant type: Deletion.
Coding change: c.2165_2166del on transcript NM_000287.4 (MANE Select); coding-DNA positions 2165 to 2166, 2 bases deleted (AG; older notation c.2165_2166delAG).
Protein change: p.Gln722fs; shifts the reading frame from glutamine 722.
Molecular consequence: frameshift variant.
Genome position (GRCh38, 1-based): chr6:42,966,376-42,966,377, CT deleted on the plus strand (AG on the coding strand, the reverse complement: PEX6 is on the minus strand). VCF-style (leftmost placement, unchanged base first): chr6-42966375-GCT-G. GRCh37 (hg19) VCF-style: chr6-42934113-GCT-G.
Other names: c.1901_1902del, p.Gln634fs (NM_001316313.2); short protein forms Q634fs, Q722fs.
Identifiers: ClinVar variation 1725421 (VCV001725421.2), dbSNP rs2481208620, ClinGen allele CA2580074623.